The following is an entry in ClinVar:

ClinVar aggregate classification (germline): Pathogenic (1 of 4 stars; one submission).

Submission:

Labcorp Genetics (formerly Invitae), Labcorp
Classification: Pathogenic. Last evaluated: 2022-12-06. Review status: criteria provided, single submitter. Criteria: Invitae Variant Classification Sherloc (09022015). Collection method: clinical testing. Allele origin: germline.
Comment: This sequence change creates a premature translational stop signal (p.Tyr408*) in the OPHN1 gene. It is expected to result in an absent or disrupted protein product. Loss-of-function variants in OPHN1 are known to be pathogenic (PMID: 12807966). For these reasons, this variant has been classified as Pathogenic. Algorithms developed to predict the effect of sequence changes on RNA splicing suggest that this variant may disrupt the consensus splice site. This variant has not been reported in the literature in individuals affected with OPHN1-related conditions. This variant is not present in population databases (gnomAD no frequency).

Literature cited by the submitters: PubMed 12807966.

NM_002547.3(OPHN1):c.1224C>A (p.Tyr408Ter)

Gene: OPHN1 (oligophrenin 1; minus strand). Cytogenetic location: Xq12.
Variant type: single nucleotide variant.
Coding change: c.1224C>A on transcript NM_002547.3 (MANE Select); coding-DNA position 1224, C replaced by A.
Protein change: p.Tyr408Ter; replaces tyrosine 408 with a stop codon.
Molecular consequence: nonsense.
Genome position (GRCh38, 1-based): chrX:68,192,971, G>T on the plus strand (C>A on the coding strand, the complement: OPHN1 is on the minus strand). VCF-style: chrX-68192971-G-T. GRCh37 (hg19) VCF-style: chrX-67412813-G-T.
Other names: short protein forms Y408*.
Identifiers: ClinVar variation 2984577 (VCV002984577.3), dbSNP rs2519784160, ClinGen allele CA413432758.
Genomic context (GRCh38, chrX:68,192,971, plus strand): 5'-ATTGTTACCAAAAAAGGCATTCAGCAGCTTCTGAACCTGAATATTGCTGCCCACAGTGCG[G>T]TACAACCCTTCTGTCTTGATCCCTAGTGGAGGAAAAAATCAGGTTAATTTCACTTGTATA-3'